The following is an entry in ClinVar:

NM_000416.3(IFNGR1):c.200+18A>G

Gene: IFNGR1 (interferon gamma receptor 1; minus strand). Cytogenetic location: 6q23.3.
Variant type: single nucleotide variant.
Coding change: c.200+18A>G on transcript NM_000416.3 (MANE Select); 18 bases into the intron after coding-DNA position 200, A replaced by G.
Molecular consequence: intron variant.
Genome position (GRCh38, 1-based): chr6:137,206,945, T>C on the plus strand (A>G on the coding strand, the complement: IFNGR1 is on the minus strand). VCF-style: chr6-137206945-T-C. GRCh37 (hg19) VCF-style: chr6-137528082-T-C.
Other names: c.170+18A>G (NM_001363526.1); c.77+18A>G (NM_001363527.1).
Identifiers: ClinVar variation 36372 (VCV000036372.12), dbSNP rs41505745, ClinGen allele CA214017.
Genomic context (GRCh38, chr6:137,206,945, plus strand): 5'-GAAAGAACACAGTTGTGGAATTTCCAAGGACCTAAACAAAAATGGAATAAAAAGGATAAA[T>C]AAAAGAGTGACACTCACCCATAGTTCTTTACCTCTACGGTAAAAACAGGGACCTGTGGCA-3'

ClinVar aggregate classification (germline): Benign. Review status: criteria provided, multiple submitters, no conflicts (2 of 4 stars). 2 submissions from 2 submitters: Benign (2). Last evaluated 2026-01-22.

Conditions:
Disseminated atypical mycobacterial infection. Identifiers: MedGen C0694566.

Allele frequency attached by ClinVar (database versions not stated): gnomAD exomes 0.00070 and 0.00192; gnomAD 0.00776 and 0.00852; 1000 Genomes Project 0.00839; TOPMed 0.00877; 1000 Genomes Project 30x 0.00890; ESP Exome Variant Server 0.00938; ExAC 0.00275.
gnomAD v4.1: 2,201 of 1,563,108 alleles (0.14%); highest among the groups gnomAD compares: African/African-American, 2.7%; 22 homozygotes.

Submissions (2):

Labcorp Genetics (formerly Invitae), Labcorp
Classification: Benign for Disseminated atypical mycobacterial infection. Last evaluated: 2026-01-22. Review status: criteria provided, single submitter. Criteria: Invitae Variant Classification Sherloc (09022015). Collection method: clinical testing. Allele origin: germline.

Women's Health and Genetics/Laboratory Corporation of America, LabCorp
Classification: Benign. Last evaluated: 2017-01-25. Review status: criteria provided, single submitter. Criteria: LabCorp Variant Classification Summary - May 2015. Collection method: clinical testing. Allele origin: germline.
Comment: Variant summary: The IFNGR1 c.200+18A>G variant involves the alteration of a non-conserved intronic nucleotide. One in silico tool predicts a benign outcome for this variant. 5/5 splice prediction tools predict no significant impact on normal splicing. This variant was found in 316/114884 control chromosomes (3 homozygotes), predominantly observed in the African subpopulation at a frequency of 0.030502 (306/10032). This frequency greatly exceeds the estimated maximal expected allele frequency of a pathogenic IFNGR1 variant (0.0000006), strong evidence that this is a benign polymorphism found primarily in the populations of African origin. The variant of interest has not, to our knowledge, been reported in affected individuals via publications nor evaluated for functional impact by in vivo/vitro studies. Taken together, this variant is classified as benign.